The following is an entry in ClinVar:

NM_006514.4(SCN10A):c.887A>G (p.Asp296Gly)

Gene: SCN10A (sodium voltage-gated channel alpha subunit 10; minus strand). Cytogenetic location: 3p22.2.
Variant type: single nucleotide variant.
Coding change: c.887A>G on transcript NM_006514.4 (MANE Select); coding-DNA position 887, A replaced by G.
Protein change: p.Asp296Gly; replaces aspartic acid 296 with glycine.
Molecular consequence: missense variant.
Genome position (GRCh38, 1-based): chr3:38,760,744, T>C on the plus strand (A>G on the coding strand, the complement: SCN10A is on the minus strand). VCF-style: chr3-38760744-T-C. GRCh37 (hg19) VCF-style: chr3-38802235-T-C.
Other names: c.887A>G, p.Asp296Gly (NM_001293306.2, NM_001293307.2); short protein forms D296G.
Identifiers: ClinVar variation 3225694 (VCV003225694.1), dbSNP rs751271372, ClinGen allele CA2321035.

ClinVar aggregate classification (germline): Uncertain significance (1 of 4 stars; one submission).

Conditions:
Cardiovascular phenotype. Identifiers: MedGen CN230736.

Allele frequency attached by ClinVar (database versions not stated): TOPMed below 0.00001; gnomAD exomes 0.00001; ExAC 0.00002.
gnomAD v4.1: 8 of 1,613,524 alleles (0.0005%); highest among the groups gnomAD compares: South Asian, 0.0088%; no homozygotes.

Submission:

Ambry Genetics
Classification: Uncertain significance for Cardiovascular phenotype. Last evaluated: 2023-10-15. Review status: criteria provided, single submitter. Criteria: Ambry Variant Classification Scheme 2023. Collection method: clinical testing. Allele origin: germline.
Comment: The p.D296G variant (also known as c.887A>G), located in coding exon 7 of the SCN10A gene, results from an A to G substitution at nucleotide position 887. The aspartic acid at codon 296 is replaced by glycine, an amino acid with similar properties. This amino acid position is conserved. In addition, this alteration is predicted to be tolerated by in silico analysis. Since supporting evidence is limited at this time, the clinical significance of this alteration remains unclear.